The following is an entry in ClinVar:

ClinVar aggregate classification (germline): Uncertain significance (1 of 4 stars; one submission).

Conditions:
Kabuki syndrome 2 (KABUK2). Also called: KDM6A-Related Kabuki Syndrome. Identifiers: Orphanet 2322, MedGen C3275495, MONDO:0010465, OMIM 300867.

Submission:

Labcorp Genetics (formerly Invitae), Labcorp
Classification: Uncertain significance for Kabuki syndrome 2. Last evaluated: 2022-12-01. Review status: criteria provided, single submitter. Criteria: Invitae Variant Classification Sherloc (09022015). Collection method: clinical testing. Allele origin: germline.
Comment: This sequence change replaces proline, which is neutral and non-polar, with alanine, which is neutral and non-polar, at codon 778 of the KDM6A protein (p.Pro778Ala). This variant is not present in population databases (gnomAD no frequency). This variant has not been reported in the literature in individuals affected with KDM6A-related conditions. In summary, the available evidence is currently insufficient to determine the role of this variant in disease. Therefore, it has been classified as a Variant of Uncertain Significance. Advanced modeling of protein sequence and biophysical properties (such as structural, functional, and spatial information, amino acid conservation, physicochemical variation, residue mobility, and thermodynamic stability) performed at Invitae indicates that this missense variant is not expected to disrupt KDM6A protein function.

NM_001291415.2(KDM6A):c.2488C>G (p.Pro830Ala)

Gene: KDM6A (lysine demethylase 6A; plus strand). Cytogenetic location: Xp11.3.
Variant type: single nucleotide variant.
Coding change: c.2488C>G on transcript NM_001291415.2 (MANE Select); coding-DNA position 2488, C replaced by G.
Protein change: p.Pro830Ala; replaces proline 830 with alanine.
Molecular consequence: missense variant. On other transcripts: non-coding transcript variant (1).
Genome position (GRCh38, 1-based): chrX:45,069,987, C>G. VCF-style: chrX-45069987-C-G. GRCh37 (hg19) VCF-style: chrX-44929232-C-G.
Other names: c.2230C>G, p.Pro744Ala (NM_001410742.1, NM_001419814.1); c.2488C>G, p.Pro830Ala (NM_001419809.1); c.2386C>G, p.Pro796Ala (NM_001419810.1, NM_001419813.1); c.2353C>G, p.Pro785Ala (NM_001419811.1, NM_001291416.2); c.2332C>G, p.Pro778Ala (NM_001419812.1, NM_021140.4); c.2095C>G, p.Pro699Ala (NM_001419815.1, NM_001291418.2); c.2197C>G, p.Pro733Ala (NM_001291417.2); c.1444C>G, p.Pro482Ala (NM_001291421.2); short protein forms P699A, P785A, P830A, P482A, P733A, P796A, P744A, P778A.
Identifiers: ClinVar variation 2817714 (VCV002817714.3), dbSNP rs2148047387, ClinGen allele CA412794596.
Genomic context (GRCh38, chrX:45,069,987, plus strand): 5'-GCTGTTTGCAGTCCTAGCCATGGAGATTCTAAGTCACCAGGTTTACTAAGTTCAGACAAT[C>G]CTCAGCTCTCTGCCTTGTTGATGGGAAAAGCCAATAACAATGTGGGTACTGGAACCTGTG-3'
Protein context (NP_001278344.1, residues 820-840): KSPGLLSSDN[Pro830Ala]QLSALLMGKA